The following is an entry in ClinVar:

NM_000178.4(GSS):c.305G>A (p.Arg102His)

Gene: GSS (glutathione synthetase; minus strand). Cytogenetic location: 20q11.22.
Variant type: single nucleotide variant.
Coding change: c.305G>A on transcript NM_000178.4 (MANE Select); coding-DNA position 305, G replaced by A.
Protein change: p.Arg102His; replaces arginine 102 with histidine.
Molecular consequence: missense variant.
Genome position (GRCh38, 1-based): chr20:34,942,977, C>T on the plus strand (G>A on the coding strand, the complement: GSS is on the minus strand). VCF-style: chr20-34942977-C-T. GRCh37 (hg19) VCF-style: chr20-33530780-C-T.
Other names: p.Arg102His; c.305G>A, p.Arg102His (NM_001322495.1, NM_001322494.1); short protein forms R102H.
Identifiers: ClinVar variation 2151747 (VCV002151747.3), dbSNP rs200243883, ClinGen allele CA9826120.

ClinVar aggregate classification (germline): Uncertain significance. Review status: criteria provided, multiple submitters, no conflicts (2 of 4 stars). 3 submissions from 3 submitters: Uncertain significance (3). Last evaluated 2024-07-30.

Conditions:
Inherited glutathione synthetase deficiency. Identifiers: Orphanet 32, MedGen C5979912, MONDO:0017909.

Allele frequency attached by ClinVar (database versions not stated): ESP Exome Variant Server 0.00008; gnomAD exomes 0.00010; ExAC 0.00028; 1000 Genomes Project 0.00060; 1000 Genomes Project 30x 0.00062.
gnomAD v4.1: 186 of 1,612,214 alleles (0.012%); highest among the groups gnomAD compares: South Asian, 0.029%; 3 homozygotes.

Submissions (3):

Mayo Clinic Laboratories, Mayo Clinic
Classification: Uncertain significance. Last evaluated: 2024-07-30. Review status: criteria provided, single submitter. Criteria: ACMG Guidelines, 2015. Collection method: clinical testing. Allele origin: germline. Observed: 2 variant alleles.
Comment: PM2_moderate

Revvity Omics, Revvity
Classification: Uncertain significance. Last evaluated: 2024-05-17. Review status: criteria provided, single submitter. Criteria: ACMG Guidelines, 2015. Collection method: clinical testing. Allele origin: germline.

Labcorp Genetics (formerly Invitae), Labcorp
Classification: Uncertain significance for Glutathione synthetase deficiency with 5-oxoprolinuria. Last evaluated: 2022-06-14. Review status: criteria provided, single submitter. Criteria: Invitae Variant Classification Sherloc (09022015). Collection method: clinical testing. Allele origin: germline.
Comment: This sequence change replaces arginine, which is basic and polar, with histidine, which is basic and polar, at codon 102 of the GSS protein (p.Arg102His). This variant is present in population databases (rs200243883, gnomAD 0.2%). This variant has not been reported in the literature in individuals affected with GSS-related conditions. Algorithms developed to predict the effect of missense changes on protein structure and function output the following: SIFT: "Deleterious"; PolyPhen-2: "Benign"; Align-GVGD: "Class C0". The histidine amino acid residue is found in multiple mammalian species, which suggests that this missense change does not adversely affect protein function. In summary, the available evidence is currently insufficient to determine the role of this variant in disease. Therefore, it has been classified as a Variant of Uncertain Significance.